The following is an entry in ClinVar:

ClinVar aggregate classification (germline): Uncertain significance. Review status: criteria provided, multiple submitters, no conflicts (2 of 4 stars). 3 submissions from 3 submitters: Uncertain significance (3). Last evaluated 2026-06-02.

Conditions:
Cardiovascular phenotype. Identifiers: MedGen CN230736.
Hypercholesterolemia, autosomal dominant, type B (FHCL2). Also called: APOB-Related Familial Hypercholesterolemia, Autosomal Dominant; Familial Hypercholesterolemia Type B; Familial hypercholesterolemia 2; APOLIPOPROTEIN B-100, FAMILIAL DEFECTIVE; APOLIPOPROTEIN B-100, FAMILIAL LIGAND-DEFECTIVE; HYPERCHOLESTEROLEMIA, FAMILIAL, DUE TO LIGAND-DEFECTIVE APOLIPOPROTEIN B. Identifiers: MedGen C1704417, MONDO:0007751, OMIM 144010.
Familial hypobetalipoproteinemia 1. Also called: APOB-Related Familial Hypobetalipoproteinemia; Hypobetalipoproteinemia, normotriglyceridemic; Acanthocytosis with hypobetalipoproteinemia. Identifiers: MedGen C4551990, MONDO:0014252, OMIM 615558.

gnomAD v4.1: 3 of 1,613,950 alleles (0.00019%); highest among the groups gnomAD compares: Non-Finnish European, 0.00025%; no homozygotes.

Submissions (3):

GeneDx
Classification: Uncertain significance. Last evaluated: 2026-06-02. Review status: criteria provided, single submitter. Criteria: GeneDx Variant Classification Process June 2021. Collection method: clinical testing. Allele origin: germline.
Comment: Not observed at significant frequency in large population cohorts (gnomAD); In silico analysis supports that this missense variant has a deleterious effect on protein structure/function; Has not been previously published as pathogenic or benign to our knowledge; Also known as p.(P2726L)

Labcorp Genetics (formerly Invitae), Labcorp
Classification: Uncertain significance for Familial hypobetalipoproteinemia 1; Hypercholesterolemia, autosomal dominant, type B. Last evaluated: 2025-11-18. Review status: criteria provided, single submitter. Criteria: Invitae Variant Classification Sherloc (09022015). Collection method: clinical testing. Allele origin: germline.
Comment: This sequence change replaces proline, which is neutral and non-polar, with leucine, which is neutral and non-polar, at codon 2753 of the APOB protein (p.Pro2753Leu). This variant is not present in population databases (gnomAD no frequency). This variant has not been reported in the literature in individuals affected with APOB-related conditions. ClinVar contains an entry for this variant (Variation ID: 1762642). Invitae Evidence Modeling of protein sequence and biophysical properties (such as structural, functional, and spatial information, amino acid conservation, physicochemical variation, residue mobility, and thermodynamic stability) indicates that this missense variant is not expected to disrupt APOB protein function with a negative predictive value of 95%. In summary, the available evidence is currently insufficient to determine the role of this variant in disease. Therefore, it has been classified as a Variant of Uncertain Significance.

Ambry Genetics
Classification: Uncertain significance for Cardiovascular phenotype. Last evaluated: 2025-02-20. Review status: criteria provided, single submitter. Criteria: Ambry Variant Classification Scheme 2023. Collection method: clinical testing. Allele origin: germline.
Comment: The p.P2753L variant (also known as c.8258C>T), located in coding exon 26 of the APOB gene, results from a C to T substitution at nucleotide position 8258. The proline at codon 2753 is replaced by leucine, an amino acid with similar properties. This amino acid position is highly conserved in available vertebrate species. In addition, the in silico prediction by BayesDel for this alteration is tolerated. Since supporting evidence is limited at this time, the clinical significance of this alteration remains unclear.

NM_000384.3(APOB):c.8258C>T (p.Pro2753Leu)

Gene: APOB (apolipoprotein B; minus strand). Cytogenetic location: 2p24.1.
Variant type: single nucleotide variant.
Coding change: c.8258C>T on transcript NM_000384.3 (MANE Select); coding-DNA position 8258, C replaced by T.
Protein change: p.Pro2753Leu; replaces proline 2753 with leucine.
Molecular consequence: missense variant.
Genome position (GRCh38, 1-based): chr2:21,008,610, G>A on the plus strand (C>T on the coding strand, the complement: APOB is on the minus strand). VCF-style: chr2-21008610-G-A. GRCh37 (hg19) VCF-style: chr2-21231482-G-A.
Other names: short protein forms P2753L.
Identifiers: ClinVar variation 1762642 (VCV001762642.6), dbSNP rs765290152, ClinGen allele CA345994922.
Genomic context (GRCh38, chr2:21,008,610, plus strand): 5'-GCATCTAATGTGAAAAGAGGAGATTGGATTTTCAGAATACTGTATAGCTTGCCAAAAGTA[G>A]GTACTTCAATTGTGTGTGAGATGTGGGGAAGCTGGAATTCTGGTATGTGAAGGTCAGGAA-3'
Protein context (NP_000375.3, residues 2743-2763): LPHISHTIEV[Pro2753Leu]TFGKLYSILK